The following is an entry in ClinVar:

ClinVar aggregate classification (germline): Uncertain significance. Review status: criteria provided, multiple submitters, no conflicts (2 of 4 stars). 3 submissions from 3 submitters: Uncertain significance (3). Last evaluated 2022-06-24.

Conditions:
Inborn genetic diseases. Identifiers: MedGen C0950123, MeSH D030342.
Hereditary spastic paraplegia. Also called: Familial spastic paraparesis. Identifiers: Orphanet 685, MedGen C0037773, MONDO:0019064. Disease mechanism: loss of function.
Hereditary spastic paraplegia 39 (SPG39). Also called: Spastic Paraplegia Type 39 (SPG39); SPASTIC PARAPLEGIA 39, AUTOSOMAL RECESSIVE. Identifiers: Orphanet 139480, MedGen C2677586, MONDO:0012787, OMIM 612020.

Allele frequency attached by ClinVar (database versions not stated): TOPMed below 0.00001; gnomAD exomes 0.00001; ExAC 0.00002.
gnomAD v4.1: 15 of 1,613,774 alleles (0.00093%); highest among the groups gnomAD compares: South Asian, 0.012%; no homozygotes.

Submissions (3):

Ambry Genetics
Classification: Uncertain significance for Inborn genetic diseases. Last evaluated: 2022-06-24. Review status: criteria provided, single submitter. Criteria: Ambry Variant Classification Scheme 2023. Collection method: clinical testing. Allele origin: germline.

Genome Diagnostics Laboratory, The Hospital for Sick Children
Classification: Uncertain significance for Hereditary spastic paraplegia. Last evaluated: 2021-10-01. Review status: criteria provided, single submitter. Criteria: ACMG Guidelines, 2015. Collection method: clinical testing. Allele origin: germline. Affected: yes.

Labcorp Genetics (formerly Invitae), Labcorp
Classification: Uncertain significance for Hereditary spastic paraplegia 39. Last evaluated: 2019-12-30. Review status: criteria provided, single submitter. Criteria: Invitae Variant Classification Sherloc (09022015). Collection method: clinical testing. Allele origin: germline.
Comment: In summary, the available evidence is currently insufficient to determine the role of this variant in disease. Therefore, it has been classified as a Variant of Uncertain Significance. Algorithms developed to predict the effect of missense changes on protein structure and function (SIFT, PolyPhen-2, Align-GVGD) all suggest that this variant is likely to be tolerated, but these predictions have not been confirmed by published functional studies and their clinical significance is uncertain. This variant has not been reported in the literature in individuals with PNPLA6-related conditions. This variant is present in population databases (rs775899903, ExAC 0.01%). This sequence change replaces serine with alanine at codon 969 of the PNPLA6 protein (p.Ser969Ala). The serine residue is highly conserved and there is a moderate physicochemical difference between serine and alanine.

NM_001166114.2(PNPLA6):c.3019T>G (p.Ser1007Ala)

Gene: PNPLA6 (patatin like domain 6, lysophospholipase; plus strand). Cytogenetic location: 19p13.2.
Variant type: single nucleotide variant.
Coding change: c.3019T>G on transcript NM_001166114.2 (MANE Select); coding-DNA position 3019, T replaced by G.
Protein change: p.Ser1007Ala; replaces serine 1007 with alanine.
Molecular consequence: missense variant.
Genome position (GRCh38, 1-based): chr19:7,555,689, T>G. VCF-style: chr19-7555689-T-G. GRCh37 (hg19) VCF-style: chr19-7620575-T-G.
Other names: c.3049T>G, p.Ser1017Ala (NM_001166111.2); c.2824T>G, p.Ser942Ala (NM_001166112.2); c.2905T>G, p.Ser969Ala (NM_001166113.1, NM_006702.5); short protein forms S942A, S969A, S1007A, S1017A.
Identifiers: ClinVar variation 862365 (VCV000862365.13), dbSNP rs775899903, ClinGen allele CA9140298.